The following is an entry in ClinVar:

ClinVar aggregate classification (germline): Uncertain significance (1 of 4 stars; one submission).

gnomAD v4.1: 1 of 1,614,040 alleles (0.000062%); highest among the groups gnomAD compares: Non-Finnish European, 0.000085%; no homozygotes.

Submission:

Labcorp Genetics (formerly Invitae), Labcorp
Classification: Uncertain significance. Last evaluated: 2023-03-01. Review status: criteria provided, single submitter. Criteria: Invitae Variant Classification Sherloc (09022015). Collection method: clinical testing. Allele origin: germline.
Comment: This sequence change replaces leucine, which is neutral and non-polar, with phenylalanine, which is neutral and non-polar, at codon 425 of the CARD8 protein (p.Leu425Phe). This variant is not present in population databases (gnomAD no frequency). This variant has not been reported in the literature in individuals affected with CARD8-related conditions. An algorithm developed to predict the effect of missense changes on protein structure and function (PolyPhen-2) suggests that this variant is likely to be disruptive. In summary, the available evidence is currently insufficient to determine the role of this variant in disease. Therefore, it has been classified as a Variant of Uncertain Significance.

NM_001184900.3(CARD8):c.1423C>T (p.Leu475Phe)

Gene: CARD8 (caspase recruitment domain family member 8; minus strand). Cytogenetic location: 19q13.33.
Variant type: single nucleotide variant.
Coding change: c.1423C>T on transcript NM_001184900.3 (MANE Select); coding-DNA position 1423, C replaced by T.
Protein change: p.Leu475Phe; replaces leucine 475 with phenylalanine.
Molecular consequence: missense variant. On other transcripts: 3 prime UTR variant (7), non-coding transcript variant (3), intron variant (1).
Genome position (GRCh38, 1-based): chr19:48,211,901, G>A on the plus strand (C>T on the coding strand, the complement: CARD8 is on the minus strand). VCF-style: chr19-48211901-G-A. GRCh37 (hg19) VCF-style: chr19-48715158-G-A.
Other names: c.*102C>T (NM_001351788.2, NM_001351789.2, NM_001351790.2 and 4 more transcripts); c.1105C>T, p.Leu369Phe (NM_001365950.1); c.598C>T, p.Leu200Phe (NM_001426741.1); c.1273C>T, p.Leu425Phe (NM_014959.5, NM_001184901.1, NM_001351783.2); c.1033+3439C>T (NM_001351787.2); c.1423C>T, p.Leu475Phe (NM_001351782.2); c.1108C>T, p.Leu370Phe (NM_001351784.2); c.1087C>T, p.Leu363Phe (NM_001351786.2); short protein forms L200F, L363F, L475F, L425F, L369F, L370F.
Identifiers: ClinVar variation 2970144 (VCV002970144.3), dbSNP rs2513803011, ClinGen allele CA406663321.